The following is an entry in ClinVar:

ClinVar aggregate classification (germline): Uncertain significance (1 of 4 stars; one submission).

Conditions:
Hajdu-Cheney syndrome (HJCYS). Also called: Acroosteolysis dominant type; ACROOSTEOLYSIS WITH OSTEOPOROSIS AND CHANGES IN SKULL AND MANDIBLE; SERPENTINE FIBULA-POLYCYSTIC KIDNEY SYNDROME. Identifiers: Orphanet 955, MedGen C0917715, MONDO:0007057, OMIM 102500.

Allele frequency attached by ClinVar (database versions not stated): ExAC 0.00001; gnomAD 0.00001; gnomAD exomes 0.00001; TOPMed 0.00003.
gnomAD v4.1: 22 of 1,614,044 alleles (0.0014%); highest among the groups gnomAD compares: Non-Finnish European, 0.0018%; no homozygotes.

Submission:

Labcorp Genetics (formerly Invitae), Labcorp
Classification: Uncertain significance for Hajdu-Cheney syndrome. Last evaluated: 2022-08-01. Review status: criteria provided, single submitter. Criteria: Invitae Variant Classification Sherloc (09022015). Collection method: clinical testing. Allele origin: germline.
Comment: In summary, the available evidence is currently insufficient to determine the role of this variant in disease. Therefore, it has been classified as a Variant of Uncertain Significance. Advanced modeling of protein sequence and biophysical properties (such as structural, functional, and spatial information, amino acid conservation, physicochemical variation, residue mobility, and thermodynamic stability) performed at Invitae indicates that this missense variant is not expected to disrupt NOTCH2 protein function. This variant has not been reported in the literature in individuals affected with NOTCH2-related conditions. The frequency data for this variant in the population databases is considered unreliable, as metrics indicate poor data quality at this position in the gnomAD database. This sequence change replaces histidine, which is basic and polar, with arginine, which is basic and polar, at codon 889 of the NOTCH2 protein (p.His889Arg).

NM_024408.4(NOTCH2):c.2666A>G (p.His889Arg)

Gene: NOTCH2 (notch receptor 2; minus strand). Cytogenetic location: 1p12.
Variant type: single nucleotide variant.
Coding change: c.2666A>G on transcript NM_024408.4 (MANE Select); coding-DNA position 2666, A replaced by G.
Protein change: p.His889Arg; replaces histidine 889 with arginine.
Molecular consequence: missense variant.
Genome position (GRCh38, 1-based): chr1:119,948,500, T>C on the plus strand (A>G on the coding strand, the complement: NOTCH2 is on the minus strand). VCF-style: chr1-119948500-T-C. GRCh37 (hg19) VCF-style: chr1-120491123-T-C.
Other names: c.2666A>G, p.His889Arg (NM_001200001.2); short protein forms H889R.
Identifiers: ClinVar variation 2158362 (VCV002158362.4), dbSNP rs782147498, ClinGen allele CA1040227.